The following is an entry in ClinVar:

ClinVar aggregate classification (germline): Uncertain significance (1 of 4 stars; one submission).

Conditions:
Progressive familial heart block type IB (PFHB1B). Identifiers: Orphanet 871, MedGen C1970298, MONDO:0011474, OMIM 604559.

gnomAD v4.1: 2 of 1,613,954 alleles (0.00012%); highest among the groups gnomAD compares: Non-Finnish European, 0.00017%; no homozygotes.

Submission:

Labcorp Genetics (formerly Invitae), Labcorp
Classification: Uncertain significance for Progressive familial heart block type IB. Last evaluated: 2024-12-24. Review status: criteria provided, single submitter. Criteria: Invitae Variant Classification Sherloc (09022015). Collection method: clinical testing. Allele origin: germline.
Comment: This sequence change affects a donor splice site in intron 15 of the TRPM4 gene. It is expected to disrupt RNA splicing. Variants that disrupt the donor or acceptor splice site typically lead to a loss of protein function (PMID: 16199547), however the current clinical and genetic evidence is not sufficient to establish whether loss-of-function variants in TRPM4 cause disease. This variant is present in population databases (no rsID available, gnomAD 0.0009%). This variant has not been reported in the literature in individuals affected with TRPM4-related conditions. Algorithms developed to predict the effect of sequence changes on RNA splicing suggest that this variant may disrupt the consensus splice site. In summary, the available evidence is currently insufficient to determine the role of this variant in disease. Therefore, it has been classified as a Variant of Uncertain Significance.

Literature cited by the submitters: PubMed 16199547.

NM_017636.4(TRPM4):c.2132+1G>T

Gene: TRPM4 (transient receptor potential cation channel subfamily M member 4; plus strand). Cytogenetic location: 19q13.33.
Variant type: single nucleotide variant.
Coding change: c.2132+1G>T on transcript NM_017636.4 (MANE Select); the canonical splice donor site of the intron after coding-DNA position 2132, G replaced by T.
Molecular consequence: splice donor variant.
Genome position (GRCh38, 1-based): chr19:49,190,321, G>T. VCF-style: chr19-49190321-G-T. GRCh37 (hg19) VCF-style: chr19-49693578-G-T.
Other names: c.2132+1G>T (NM_001195227.2); c.524+1G>T (NM_001321282.2); c.1787+1G>T (NM_001321281.2); c.1610+1G>T (NM_001321283.2); c.1070+1G>T (NM_001321285.2).
Identifiers: ClinVar variation 3727981 (VCV003727981.2).